The following is an entry in ClinVar:

NM_014254.3(RXYLT1):c.613_623del (p.Glu204_His205insTer)

Gene: RXYLT1 (ribitol xylosyltransferase 1; plus strand). Cytogenetic location: 12q14.2.
Variant type: Deletion.
Coding change: c.613_623del on transcript NM_014254.3 (MANE Select); coding-DNA positions 613 to 623, 11 bases deleted (CATTGTGATAA).
Protein change: p.Glu204_His205insTer.
Molecular consequence: nonsense. On other transcripts: 5 prime UTR variant (1).
Genome position (GRCh38, 1-based): chr12:63,802,275-63,802,285, CATTGTGATAA deleted; deleting any 11 consecutive bases within chr12:63,802,273-63,802,285 gives the same sequence; the c. name uses the placement nearest the transcript's 3' end. VCF-style (leftmost placement, unchanged base first): chr12-63802272-GAACATTGTGAT-G. GRCh37 (hg19) VCF-style: chr12-64196052-GAACATTGTGAT-G.
Other names: c.-168_-158del (NM_001278237.2).
Identifiers: ClinVar variation 2843288 (VCV002843288.3), dbSNP rs2500519942, ClinGen allele CA2739272127.

ClinVar aggregate classification (germline): Pathogenic (1 of 4 stars; one submission).

Submission:

Labcorp Genetics (formerly Invitae), Labcorp
Classification: Pathogenic. Last evaluated: 2023-03-07. Review status: criteria provided, single submitter. Criteria: Invitae Variant Classification Sherloc (09022015). Collection method: clinical testing. Allele origin: germline.
Comment: This sequence change creates a premature translational stop signal (p.His205*) in the RXYLT1 gene. It is expected to result in an absent or disrupted protein product. Loss-of-function variants in RXYLT1 are known to be pathogenic (PMID: 23217329, 23519211, 31742715). This variant is not present in population databases (gnomAD no frequency). This variant has not been reported in the literature in individuals affected with RXYLT1-related conditions. For these reasons, this variant has been classified as Pathogenic.

Literature cited by the submitters: PubMed 23217329; PubMed 23519211; PubMed 31742715.